The following is an entry in ClinVar:

ClinVar aggregate classification (germline): Uncertain significance. Review status: criteria provided, multiple submitters, no conflicts (2 of 4 stars). 2 submissions from 2 submitters: Uncertain significance (2). Last evaluated 2025-11-19.

Conditions:
Inborn genetic diseases. Identifiers: MedGen C0950123, MeSH D030342.

Allele frequency attached by ClinVar (database versions not stated): TOPMed 0.00002; ExAC 0.00003; gnomAD 0.00003; gnomAD exomes 0.00003.
gnomAD v4.1: 55 of 1,612,898 alleles (0.0034%); highest among the groups gnomAD compares: Non-Finnish European, 0.0037%; no homozygotes.

Submissions (2):

Ambry Genetics
Classification: Uncertain significance for Inborn genetic diseases. Last evaluated: 2025-11-19. Review status: criteria provided, single submitter. Criteria: Ambry Variant Classification Scheme 2023. Collection method: clinical testing. Allele origin: germline.

Labcorp Genetics (formerly Invitae), Labcorp
Classification: Uncertain significance. Last evaluated: 2025-09-01. Review status: criteria provided, single submitter. Criteria: Invitae Variant Classification Sherloc (09022015). Collection method: clinical testing. Allele origin: germline.
Comment: This sequence change replaces valine, which is neutral and non-polar, with isoleucine, which is neutral and non-polar, at codon 187 of the CFB protein (p.Val187Ile). The frequency data for this variant in the population databases is considered unreliable, as metrics indicate poor data quality at this position in the gnomAD database. This variant has not been reported in the literature in individuals affected with CFB-related conditions. ClinVar contains an entry for this variant (Variation ID: 1985042). Invitae Evidence Modeling of protein sequence and biophysical properties (such as structural, functional, and spatial information, amino acid conservation, physicochemical variation, residue mobility, and thermodynamic stability) indicates that this missense variant is not expected to disrupt CFB protein function with a negative predictive value of 80%. In summary, the available evidence is currently insufficient to determine the role of this variant in disease. Therefore, it has been classified as a Variant of Uncertain Significance.

NM_001710.6(CFB):c.559G>A (p.Val187Ile)

Gene: CFB (complement factor B; plus strand). Cytogenetic location: 6p21.33.
Variant type: single nucleotide variant.
Coding change: c.559G>A on transcript NM_001710.6 (MANE Select); coding-DNA position 559, G replaced by A.
Protein change: p.Val187Ile; replaces valine 187 with isoleucine.
Molecular consequence: missense variant.
Genome position (GRCh38, 1-based): chr6:31,947,422, G>A. VCF-style: chr6-31947422-G-A. GRCh37 (hg19) VCF-style: chr6-31915199-G-A.
Other names: short protein forms V187I.
Identifiers: ClinVar variation 1985042 (VCV001985042.5), dbSNP rs774051674, ClinGen allele CA3728073.